The following is an entry in ClinVar:

NM_000135.4(FANCA):c.3625G>A (p.Asp1209Asn)

Gene: FANCA (FA complementation group A; minus strand). Cytogenetic location: 16q24.3.
Variant type: single nucleotide variant.
Coding change: c.3625G>A on transcript NM_000135.4 (MANE Select); coding-DNA position 3625, G replaced by A.
Protein change: p.Asp1209Asn; replaces aspartic acid 1209 with asparagine.
Molecular consequence: missense variant.
Genome position (GRCh38, 1-based): chr16:89,744,960, C>T on the plus strand (G>A on the coding strand, the complement: FANCA is on the minus strand). VCF-style: chr16-89744960-C-T. GRCh37 (hg19) VCF-style: chr16-89811368-C-T.
Other names: c.3625G>A, p.Asp1209Asn (NM_001286167.3); c.3625G>A (NM_000135.3); short protein forms D1209N.
Identifiers: ClinVar variation 2180921 (VCV002180921.3), dbSNP rs780494941, ClinGen allele CA8251076.

ClinVar aggregate classification (germline): Uncertain significance. Review status: criteria provided, multiple submitters, no conflicts (2 of 4 stars). 3 submissions from 3 submitters: Uncertain significance (3). Last evaluated 2025-03-04.

Conditions:
Fanconi anemia (FA). Also called: Fanconi's anemia. Identifiers: Orphanet 84, MedGen C0015625, MeSH D005199, MONDO:0019391.
Fanconi anemia complementation group A (FANCA). Also called: FANCA-Related Fanconi Anemia; Fanconi anemia, group A. Identifiers: Orphanet 84, MedGen C3469521, MONDO:0009215, OMIM 227650.

Allele frequency attached by ClinVar (database versions not stated): ExAC 0.00001; gnomAD 0.00001; gnomAD exomes 0.00001; TOPMed 0.00002.
gnomAD v4.1: 25 of 1,611,432 alleles (0.0016%); highest among the groups gnomAD compares: Admixed American, 0.005%; no homozygotes.

Submissions (3):

Quest Diagnostics Nichols Institute San Juan Capistrano
Classification: Uncertain significance. Last evaluated: 2025-03-04. Review status: criteria provided, single submitter. Criteria: Quest Diagnostics criteria. Collection method: clinical testing. Allele origin: unknown.
Comment: The FANCA c.3625G>A (p.Asp1209Asn) variant has been reported in the published literature in an individual affected with ovarian cancer (PMID: 32546565 (2021)) as well as reportedly healthy individuals (PMID: 29641532 (2018), 32546565 (2021)). The frequency of this variant in the general population (Genome Aggregation Database) is uninformative in the assessment of its pathogenicity. Analysis of this variant using bioinformatics tools for the prediction of the effect of amino acid changes on protein structure and function yielded predictions that this variant is benign. Based on the available information, we are unable to determine the clinical significance of this variant.

Fulgent Genetics
Classification: Uncertain significance for Fanconi anemia complementation group A. Last evaluated: 2024-02-19. Review status: criteria provided, single submitter. Criteria: ACMG Guidelines, 2015. Collection method: clinical testing. Allele origin: germline.

Labcorp Genetics (formerly Invitae), Labcorp
Classification: Uncertain significance for Fanconi anemia. Last evaluated: 2021-09-01. Review status: criteria provided, single submitter. Criteria: Invitae Variant Classification Sherloc (09022015). Collection method: clinical testing. Allele origin: germline.
Comment: This sequence change replaces aspartic acid with asparagine at codon 1209 of the FANCA protein (p.Asp1209Asn). The aspartic acid residue is weakly conserved and there is a small physicochemical difference between aspartic acid and asparagine. This variant is present in population databases (rs780494941, ExAC 0.009%). This variant has not been reported in the literature in individuals affected with FANCA-related conditions. Algorithms developed to predict the effect of missense changes on protein structure and function output the following: SIFT: "Tolerated"; PolyPhen-2: "Possibly Damaging"; Align-GVGD: "Class C0". The asparagine amino acid residue is found in multiple mammalian species, which suggests that this missense change does not adversely affect protein function. In summary, the available evidence is currently insufficient to determine the role of this variant in disease. Therefore, it has been classified as a Variant of Uncertain Significance.

Literature cited by the submitters: PubMed 32235514 (cited by Quest Diagnostics Nichols Institute San Juan Capistrano); PubMed 32546565 (cited by Quest Diagnostics Nichols Institute San Juan Capistrano); PubMed 29641532 (cited by Quest Diagnostics Nichols Institute San Juan Capistrano).